The following is an entry in ClinVar:

NM_000046.5(ARSB):c.1060_1061del (p.Leu354fs)

Gene: ARSB (arylsulfatase B; minus strand). Cytogenetic location: 5q14.1.
Variant type: Deletion.
Coding change: c.1060_1061del on transcript NM_000046.5 (MANE Select); coding-DNA positions 1060 to 1061, 2 bases deleted (CT; older notation c.1060_1061delCT).
Protein change: p.Leu354fs; shifts the reading frame from leucine 354.
Molecular consequence: frameshift variant.
Genome position (GRCh38, 1-based): chr5:78,885,665-78,885,666, AG deleted on the plus strand (CT on the coding strand, the reverse complement: ARSB is on the minus strand). VCF-style (leftmost placement, unchanged base first): chr5-78885664-CAG-C. GRCh37 (hg19) VCF-style: chr5-78181487-CAG-C.
Other names: c.1060_1061del, p.Leu354fs (NM_198709.3); short protein forms L354fs.
Identifiers: ClinVar variation 2091122 (VCV002091122.6), dbSNP rs1219483069, ClinGen allele CA814271087.
Genomic context (GRCh38, chr5:78,885,664, plus strand): 5'-GAAGCCATCCAGAGGCTTTGTGCCATTGGTGTGTCCCCTGGCCAGCTTCACGAGTGTTGG[CAG>C]CCAGTCAGAGATGTGGATGAGCTCCCGGTTCTTCACGCCCTTCTGCTTCAGCAAGGGGCT-3'

ClinVar aggregate classification (germline): Pathogenic/Likely pathogenic. Review status: criteria provided, multiple submitters, no conflicts (2 of 4 stars). 2 submissions from 2 submitters: Pathogenic (1); Likely pathogenic (1). Last evaluated 2024-01-24.

Conditions:
Mucopolysaccharidosis type 6 (MPS6). Also called: N-ACETYLGALACTOSAMINE-4-SULFATASE DEFICIENCY; MPS VI; ARSB DEFICIENCY; ARYLSULFATASE B DEFICIENCY; MPS 6; Maroteaux Lamy syndrome. Identifiers: Orphanet 583, MedGen C0026709, MONDO:0009661, OMIM 253200.

Allele frequency attached by ClinVar (database versions not stated): gnomAD exomes below 0.00001; TOPMed 0.00001.

Submissions (2):

Baylor Genetics
Classification: Likely pathogenic for Mucopolysaccharidosis type 6. Last evaluated: 2024-01-24. Review status: criteria provided, single submitter. Criteria: ACMG Guidelines, 2015. Collection method: clinical testing. Allele origin: unknown.

Labcorp Genetics (formerly Invitae), Labcorp
Classification: Pathogenic for Mucopolysaccharidosis type 6. Last evaluated: 2022-10-08. Review status: criteria provided, single submitter. Criteria: Invitae Variant Classification Sherloc (09022015). Collection method: clinical testing. Allele origin: germline.
Comment: For these reasons, this variant has been classified as Pathogenic. This variant has not been reported in the literature in individuals affected with ARSB-related conditions. This variant is not present in population databases (gnomAD no frequency). This sequence change creates a premature translational stop signal (p.Leu354Alafs*28) in the ARSB gene. It is expected to result in an absent or disrupted protein product. Loss-of-function variants in ARSB are known to be pathogenic (PMID: 17458871, 22133300).

Literature cited by the submitters: PubMed 17458871 (cited by Labcorp Genetics (formerly Invitae), Labcorp); PubMed 22133300 (cited by Labcorp Genetics (formerly Invitae), Labcorp).